The following is an entry in ClinVar:

ClinVar aggregate classification (germline): Likely benign (1 of 4 stars; one submission).

gnomAD v4.1: 14 of 1,614,056 alleles (0.00087%); highest among the groups gnomAD compares: Non-Finnish European, 0.0011%; no homozygotes.

Submission:

CeGaT Center for Human Genetics Tuebingen
Classification: Likely benign. Last evaluated: 2022-04-01. Review status: criteria provided, single submitter. Criteria: CeGaT Center For Human Genetics Tuebingen Variant Classification Criteria Version 2. Collection method: clinical testing. Allele origin: germline. Affected: yes. Observed: 1 variant allele.
Comment: CACNG2: BP4, BP7

NM_006078.5(CACNG2):c.549G>T (p.Gly183=)

Gene: CACNG2 (calcium voltage-gated channel auxiliary subunit gamma 2; minus strand). Cytogenetic location: 22q12.3.
Variant type: single nucleotide variant.
Coding change: c.549G>T on transcript NM_006078.5 (MANE Select); coding-DNA position 549, G replaced by T.
Protein change: p.Gly183=; no amino-acid change (glycine 183 retained).
Molecular consequence: synonymous variant. On other transcripts: non-coding transcript variant (1).
Genome position (GRCh38, 1-based): chr22:36,564,774, C>A on the plus strand (G>T on the coding strand, the complement: CACNG2 is on the minus strand). VCF-style: chr22-36564774-C-A. GRCh37 (hg19) VCF-style: chr22-36960821-C-A.
Other names: c.480G>T, p.Gly160= (NM_001379051.1).
Identifiers: ClinVar variation 2653107 (VCV002653107.24), dbSNP rs751747375, ClinGen allele CA10212141.